The following is an entry in ClinVar:

NM_022893.4(BCL11A):c.1112dup (p.Pro372fs)

Gene: BCL11A (BCL11 transcription factor A; minus strand). Cytogenetic location: 2p16.1.
Variant type: Duplication.
Coding change: c.1112dup on transcript NM_022893.4 (MANE Select); coding-DNA position 1112, one base duplicated (A; older notation c.1112dupA).
Protein change: p.Pro372fs; shifts the reading frame from proline 372.
Molecular consequence: frameshift variant. On other transcripts: intron variant (9).
Genome position (GRCh38, 1-based): chr2:60,461,800, T duplicated on the plus strand (A on the coding strand, the reverse complement: BCL11A is on the minus strand). VCF-style (leftmost placement, unchanged base first): chr2-60461799-C-CT. GRCh37 (hg19) VCF-style: chr2-60688934-C-CT.
Other names: c.1010dup, p.Pro338fs (NM_001363864.1, NM_001365609.1, NM_001405711.1 and 2 more transcripts); c.1112dup, p.Pro372fs (NM_001405708.1, NM_001405709.1, NM_001405710.1 and 1 more transcripts); c.956dup, p.Pro320fs (NM_001405713.1, NM_001405714.1, NM_001405715.1 and 3 more transcripts); c.854dup, p.Pro286fs (NM_001405717.1, NM_001405718.1, NM_001405724.1); c.779dup, p.Pro261fs (NM_001405720.1, NM_001405721.1); c.656dup, p.Pro220fs (NM_001405725.1, NM_001405726.1, NM_001405727.1 and 1 more transcripts); c.630+482dup (NM_138559.2, NM_001405732.1); c.528+482dup (NM_001405733.1); and 5 more; short protein forms P220fs, P261fs, P286fs, P320fs, P338fs, P372fs.
Identifiers: ClinVar variation 3382007 (VCV003382007.2).

ClinVar aggregate classification (germline): Likely pathogenic (1 of 4 stars; one submission).

Conditions:
Dias-Logan syndrome. Also called: Intellectual developmental disorder with persistence of fetal hemoglobin; INTELLECTUAL DEVELOPMENTAL DISORDER WITH HEREDITARY PERSISTENCE OF FETAL HEMOGLOBIN. Identifiers: Orphanet 619233, MedGen C4310833, MONDO:0014914, OMIM 617101.

Submission:

Juno Genomics, Hangzhou Juno Genomics, Inc
Classification: Likely pathogenic for Dias-Logan syndrome. Review status: criteria provided, single submitter. Criteria: ACMG Guidelines, 2015. Collection method: clinical testing. Allele origin: germline. Affected: yes.
Comment: Absent from controls (or at extremely low frequency if recessive) in Genome Aggregation Database, Exome Sequencing Project, 1000 Genomes Project, or Exome Aggregation Consortium.;Null variant in a gene where loss of function (LOF) is a known mechanism of disease.;Patient's phenotype or family history is highly specific for a disease with a single genetic etiology.